The following is an entry in ClinVar:

NM_024642.5(GALNT12):c.286_288delinsAAA (p.Glu96Lys)

Gene: GALNT12 (polypeptide N-acetylgalactosaminyltransferase 12; plus strand). Cytogenetic location: 9q22.33.
Variant type: Indel.
Coding change: c.286_288delinsAAA on transcript NM_024642.5 (MANE Select); coding-DNA positions 286 to 288, GAG replaced by AAA.
Protein change: p.Glu96Lys; replaces glutamic acid 96 with lysine.
Molecular consequence: missense variant.
Genome position (GRCh38, 1-based): chr9:98,807,984-98,807,986, GAG replaced by AAA. VCF-style: chr9-98807984-GAG-AAA. GRCh37 (hg19) VCF-style: chr9-101570266-GAG-AAA.
Other names: short protein forms E96K.
Identifiers: ClinVar variation 821914 (VCV000821914.4), dbSNP rs1588436340, ClinGen allele CA915947115.

ClinVar aggregate classification (germline): Uncertain significance (1 of 4 stars; one submission).

Submission:

Ambry Genetics
Classification: Uncertain significance. Last evaluated: 2019-07-12. Review status: criteria provided, single submitter. Criteria: Ambry Variant Classification Scheme 2023. Collection method: clinical testing. Allele origin: germline.
Comment: The c.286_288delGAGinsAAA variant, located in coding exon 1 of the GALNT12 gene, results from an in-frame deletion of GAG and insertion of AAA at nucleotide positions 286 to 288. This results in the substitution of the glutamic acid residue for a lysine residue at codon 96, an amino acid with similar properties. This amino acid position is highly conserved in available vertebrate species. Since supporting evidence is limited at this time, the clinical significance of this alteration remains unclear.